The following is an entry in ClinVar:

ClinVar aggregate classification (germline): Pathogenic (1 of 4 stars; one submission).

Submission:

Labcorp Genetics (formerly Invitae), Labcorp
Classification: Pathogenic. Last evaluated: 2021-02-08. Review status: criteria provided, single submitter. Criteria: Invitae Variant Classification Sherloc (09022015). Collection method: clinical testing. Allele origin: germline.
Comment: For these reasons, this variant has been classified as Pathogenic. Algorithms developed to predict the effect of sequence changes on RNA splicing suggest that this variant may create or strengthen a splice site, but this prediction has not been confirmed by published transcriptional studies. This variant has not been reported in the literature in individuals with PHEX-related conditions. This variant is not present in population databases (ExAC no frequency). This sequence change creates a premature translational stop signal (p.Gly641*) in the PHEX gene. It is expected to result in an absent or disrupted protein product. Loss-of-function variants in PHEX are known to be pathogenic (PMID: 9097956, 9106524, 19219621).

Literature cited by the submitters: PubMed 9097956; PubMed 9106524; PubMed 19219621.

NM_000444.6(PHEX):c.1921G>T (p.Gly641Ter)

Genes: PTCHD1-AS (PTCHD1 and PHEX antisense RNA; minus strand), PHEX (phosphate regulating endopeptidase X-linked; plus strand). Cytogenetic location: Xp22.11.
Variant type: single nucleotide variant.
Coding change: c.1921G>T on transcript NM_000444.6 (MANE Select); coding-DNA position 1921, G replaced by T.
Protein change: p.Gly641Ter; replaces glycine 641 with a stop codon.
Molecular consequence: nonsense.
Genome position (GRCh38, 1-based): chrX:22,226,464, G>T. VCF-style: chrX-22226464-G-T. GRCh37 (hg19) VCF-style: chrX-22244581-G-T.
Other names: c.1921G>T, p.Gly641Ter (NM_001282754.2); short protein forms G641*.
Identifiers: ClinVar variation 1453698 (VCV001453698.6), dbSNP rs2147183126, ClinGen allele CA412574169.